The following is an entry in ClinVar:

ClinVar aggregate classification (germline): Likely pathogenic (1 of 4 stars; one submission).

Conditions:
Werner syndrome (WRN). Identifiers: Orphanet 902, MedGen C0043119, MONDO:0010196, OMIM 277700.

gnomAD v4.1: 3 of 1,614,046 alleles (0.00019%); highest among the groups gnomAD compares: Non-Finnish European, 0.00025%; no homozygotes.

Submission:

Labcorp Genetics (formerly Invitae), Labcorp
Classification: Likely pathogenic for Werner syndrome. Last evaluated: 2021-02-24. Review status: criteria provided, single submitter. Criteria: Invitae Variant Classification Sherloc (09022015). Collection method: clinical testing. Allele origin: germline.
Comment: This sequence change affects a donor splice site in intron 33 of the WRN gene. It is expected to disrupt RNA splicing. Variants that disrupt the donor or acceptor splice site typically lead to a loss of protein function (PMID: 16199547), and loss-of-function variants in WRN are known to be pathogenic (PMID: 16673358). This variant is not present in population databases (ExAC no frequency). This variant has not been reported in the literature in individuals with WRN-related conditions. Algorithms developed to predict the effect of sequence changes on RNA splicing suggest that this variant may disrupt the consensus splice site, but this prediction has not been confirmed by published transcriptional studies. In summary, the currently available evidence indicates that the variant is pathogenic, but additional data are needed to prove that conclusively. Therefore, this variant has been classified as Likely Pathogenic.

Literature cited by the submitters: PubMed 16199547; PubMed 16673358.

NM_000553.6(WRN):c.3982+1G>A

Gene: WRN (WRN RecQ like helicase; plus strand). Cytogenetic location: 8p12.
Variant type: single nucleotide variant.
Coding change: c.3982+1G>A on transcript NM_000553.6 (MANE Select); the canonical splice donor site of the intron after coding-DNA position 3982, G replaced by A.
Molecular consequence: splice donor variant.
Genome position (GRCh38, 1-based): chr8:31,157,531, G>A. VCF-style: chr8-31157531-G-A. GRCh37 (hg19) VCF-style: chr8-31015047-G-A.
Identifiers: ClinVar variation 1349384 (VCV001349384.8), dbSNP rs1381370500, ClinGen allele CA370929772.